The following is an entry in ClinVar:

ClinVar aggregate classification (germline): Uncertain significance. Review status: criteria provided, multiple submitters, no conflicts (2 of 4 stars). 2 submissions from 2 submitters: Uncertain significance (2). Last evaluated 2023-10-31.

Conditions:
Progressive external ophthalmoplegia with mitochondrial DNA deletions, autosomal dominant 2. Also called: PROGRESSIVE EXTERNAL OPHTHALMOPLEGIA, AUTOSOMAL DOMINANT 2. Identifiers: MedGen C1836460, MONDO:0012238, OMIM 609283.

Allele frequency attached by ClinVar (database versions not stated): gnomAD exomes below 0.00001.
gnomAD v4.1: 5 of 1,614,230 alleles (0.00031%); highest among the groups gnomAD compares: Non-Finnish European, 0.00042%; no homozygotes.

Submissions (2):

Labcorp Genetics (formerly Invitae), Labcorp
Classification: Uncertain significance. Last evaluated: 2023-10-31. Review status: criteria provided, single submitter. Criteria: Invitae Variant Classification Sherloc (09022015). Collection method: clinical testing. Allele origin: germline.
Comment: This sequence change replaces lysine, which is basic and polar, with glutamic acid, which is acidic and polar, at codon 263 of the SLC25A4 protein (p.Lys263Glu). This variant is not present in population databases (gnomAD no frequency). This variant has not been reported in the literature in individuals affected with SLC25A4-related conditions. ClinVar contains an entry for this variant (Variation ID: 1705416). Advanced modeling of protein sequence and biophysical properties (such as structural, functional, and spatial information, amino acid conservation, physicochemical variation, residue mobility, and thermodynamic stability) performed at Invitae indicates that this missense variant is not expected to disrupt SLC25A4 protein function with a negative predictive value of 80%. In summary, the available evidence is currently insufficient to determine the role of this variant in disease. Therefore, it has been classified as a Variant of Uncertain Significance.

3billion
Classification: Uncertain significance for Progressive external ophthalmoplegia with mitochondrial DNA deletions, autosomal dominant 2. Last evaluated: 2022-09-01. Review status: criteria provided, single submitter. Criteria: ACMG Guidelines, 2015. Collection method: clinical testing. Allele origin: germline. Affected: yes. Observed: 1 heterozygote.
Comment: The variant is not observed in the gnomAD v2.1.1 dataset. Missense changes are a common disease-causing mechanism. In silico tool predictions suggest damaging effect of the variant on gene or gene product (REVEL: 0.67; 3Cnet: 0.13). Therefore, this variant is classified as uncertain significance according to the recommendation of ACMG/AMP guideline.

NM_001151.4(SLC25A4):c.787A>G (p.Lys263Glu)

Gene: SLC25A4 (solute carrier family 25 member 4; plus strand). Cytogenetic location: 4q35.1.
Variant type: single nucleotide variant.
Coding change: c.787A>G on transcript NM_001151.4 (MANE Select); coding-DNA position 787, A replaced by G.
Protein change: p.Lys263Glu; replaces lysine 263 with glutamic acid.
Molecular consequence: missense variant.
Genome position (GRCh38, 1-based): chr4:185,146,861, A>G. VCF-style: chr4-185146861-A-G. GRCh37 (hg19) VCF-style: chr4-186068015-A-G.
Other names: short protein forms K263E.
Identifiers: ClinVar variation 1705416 (VCV001705416.4), dbSNP rs2477173801, ClinGen allele CA358897414.
Genomic context (GRCh38, chr4:185,146,861, plus strand): 5'-TTTGTTTCCACAGCCGATATTATGTACACGGGGACAGTTGACTGCTGGAGGAAGATTGCA[A>G]AAGACGAAGGAGCCAAGGCCTTCTTCAAAGGTGCCTGGTCCAATGTGCTGAGAGGCATGG-3'
Protein context (NP_001142.2, residues 253-273): GTVDCWRKIA[Lys263Glu]DEGAKAFFKG